The following is an entry in ClinVar:

NM_001042492.3(NF1):c.4498A>G (p.Ser1500Gly)

Gene: NF1 (neurofibromin 1; plus strand). Cytogenetic location: 17q11.2.
Variant type: single nucleotide variant.
Coding change: c.4498A>G on transcript NM_001042492.3 (MANE Select); coding-DNA position 4498, A replaced by G.
Protein change: p.Ser1500Gly; replaces serine 1500 with glycine.
Molecular consequence: missense variant.
Genome position (GRCh38, 1-based): chr17:31,260,436, A>G. VCF-style: chr17-31260436-A-G. GRCh37 (hg19) VCF-style: chr17-29587454-A-G.
Other names: c.4435A>G, p.Ser1479Gly (NM_000267.4); short protein forms S1479G, S1500G.
Identifiers: ClinVar variation 431644 (VCV000431644.7), dbSNP rs1135402862, ClinGen allele CA398999503.
Genomic context (GRCh38, chr17:31,260,436, plus strand): 5'-CTTGATATAGCATCTGATTGTCCTACAAGTGATGCAGTAAATCATAGTCTTTCCTTCATA[A>G]GTGACGGCAATGTGCTTGCTTTACATCGTCTACTCTGGAACAATCAGGAGAAAATTGGGC-3'
Protein context (NP_001035957.1, residues 1490-1510): DAVNHSLSFI[Ser1500Gly]DGNVLALHRL

ClinVar aggregate classification (germline): Pathogenic. Review status: criteria provided, single submitter (1 of 4 stars). 2 submissions from 2 submitters: Pathogenic (1). 1 of the submissions does not count toward it. Last evaluated 2025-04-02.

Conditions:
Neurofibromatosis, type 1 (NF1). Also called: Neurofibromatosis, type I; NEUROFIBROMATOSIS, TYPE I, SOMATIC; Peripheral type neurofibromatosis; VON RECKLINGHAUSEN DISEASE. Identifiers: Orphanet 636, MedGen C0027831, MONDO:0018975, OMIM 162200. Disease mechanism: loss of function.

Submissions (2):

Labcorp Genetics (formerly Invitae), Labcorp
Classification: Pathogenic for Neurofibromatosis, type 1. Last evaluated: 2025-04-02. Review status: criteria provided, single submitter. Criteria: Invitae Variant Classification Sherloc (09022015). Collection method: clinical testing. Allele origin: germline.
Comment: This sequence change replaces serine, which is neutral and polar, with glycine, which is neutral and non-polar, at codon 1479 of the NF1 protein (p.Ser1479Gly). This variant is not present in population databases (gnomAD no frequency). This missense change has been observed in individual(s) with neurofibromatosis type 1 (PMID: 28961165, 31766501). ClinVar contains an entry for this variant (Variation ID: 431644). Invitae Evidence Modeling of protein sequence and biophysical properties (such as structural, functional, and spatial information, amino acid conservation, physicochemical variation, residue mobility, and thermodynamic stability) has been performed for this missense variant. However, the output from this modeling did not meet the statistical confidence thresholds required to predict the impact of this variant on NF1 protein function. Algorithms developed to predict the effect of sequence changes on RNA splicing suggest that this variant may disrupt the consensus splice site. For these reasons, this variant has been classified as Pathogenic.

Medical Genetics, University of Parma
Classification: Uncertain significance for Neurofibromatosis type 1. Last evaluated: 2017-02-02. Review status: no assertion criteria provided. Collection method: clinical testing. Allele origin: germline. Affected: yes. Not counted in ClinVar's aggregate classification.

Literature cited by the submitters: PubMed 28961165 (cited by Labcorp Genetics (formerly Invitae), Labcorp); PubMed 31766501 (cited by Labcorp Genetics (formerly Invitae), Labcorp).